The following is an entry in ClinVar:

NM_000203.5(IDUA):c.1744G>A (p.Glu582Lys)

Gene: IDUA (alpha-L-iduronidase; plus strand). Cytogenetic location: 4p16.3.
Variant type: single nucleotide variant.
Coding change: c.1744G>A on transcript NM_000203.5 (MANE Select); coding-DNA position 1744, G replaced by A.
Protein change: p.Glu582Lys; replaces glutamic acid 582 with lysine.
Molecular consequence: missense variant. On other transcripts: non-coding transcript variant (1).
Genome position (GRCh38, 1-based): chr4:1,004,028, G>A. VCF-style: chr4-1004028-G-A. GRCh37 (hg19) VCF-style: chr4-997816-G-A.
Other names: c.1348G>A, p.Glu450Lys (NM_001363576.1); short protein forms E450K, E582K.
Identifiers: ClinVar variation 1395024 (VCV001395024.5), dbSNP rs762037549, ClinGen allele CA2802393.

ClinVar aggregate classification (germline): Uncertain significance. Review status: criteria provided, multiple submitters, no conflicts (2 of 4 stars). 2 submissions from 2 submitters: Uncertain significance (2). Last evaluated 2024-03-13.

Conditions:
Mucopolysaccharidosis type 1. Also called: IDUA deficiency; MPS I. Identifiers: Orphanet 579, MedGen C0023786, MONDO:0001586.

Allele frequency attached by ClinVar (database versions not stated): TOPMed 0.00001; gnomAD exomes below 0.00001; ExAC 0.00001; gnomAD 0.00001.
gnomAD v4.1: 10 of 1,611,692 alleles (0.00062%); highest among the groups gnomAD compares: African/African-American, 0.0027%; no homozygotes.

Submissions (2):

Revvity Omics, Revvity
Classification: Uncertain significance. Last evaluated: 2024-03-13. Review status: criteria provided, single submitter. Criteria: ACMG Guidelines, 2015. Collection method: clinical testing. Allele origin: germline.

Labcorp Genetics (formerly Invitae), Labcorp
Classification: Uncertain significance for Mucopolysaccharidosis type 1. Last evaluated: 2021-11-16. Review status: criteria provided, single submitter. Criteria: Invitae Variant Classification Sherloc (09022015). Collection method: clinical testing. Allele origin: germline.
Comment: This sequence change replaces glutamic acid, which is acidic and polar, with lysine, which is basic and polar, at codon 582 of the IDUA protein (p.Glu582Lys). This variant is present in population databases (rs762037549, gnomAD 0.008%). This variant has not been reported in the literature in individuals affected with IDUA-related conditions. Advanced modeling of protein sequence and biophysical properties (such as structural, functional, and spatial information, amino acid conservation, physicochemical variation, residue mobility, and thermodynamic stability) performed at Invitae indicates that this missense variant is expected to disrupt IDUA protein function. In summary, the available evidence is currently insufficient to determine the role of this variant in disease. Therefore, it has been classified as a Variant of Uncertain Significance.